The following is an entry in ClinVar:

ClinVar aggregate classification (germline): Pathogenic (1 of 4 stars; one submission).

Submission:

Labcorp Genetics (formerly Invitae), Labcorp
Classification: Pathogenic. Last evaluated: 2022-10-17. Review status: criteria provided, single submitter. Criteria: Invitae Variant Classification Sherloc (09022015). Collection method: clinical testing. Allele origin: germline.
Comment: This variant has not been reported in the literature in individuals affected with NUP107-related conditions. This variant is a gross deletion of the genomic region encompassing exon(s) 1-8 of the NUP107 gene, which includes the initiator codon. This deletion extends beyond the assayed region for this gene and therefore may encompass additional genes. It is expected to result in an absent or disrupted protein product. Loss-of-function variants in NUP107 are known to be pathogenic (PMID: 27190346). For these reasons, this variant has been classified as Pathogenic.

Literature cited by the submitters: PubMed 27190346.

NC_000012.11:g.(?_69080846)_(69096584_?)del

Gene: NUP107 (nucleoporin 107; plus strand). Cytogenetic location: 12q15.
Variant type: Deletion.
Identifiers: ClinVar variation 2426549 (VCV002426549.4).